The following is an entry in ClinVar:

ClinVar aggregate classification (germline): Uncertain significance (1 of 4 stars; one submission).

Conditions:
Inborn genetic diseases. Identifiers: MedGen C0950123, MeSH D030342.

Submission:

Ambry Genetics
Classification: Uncertain significance for Inborn genetic diseases. Last evaluated: 2026-03-28. Review status: criteria provided, single submitter. Criteria: Ambry Variant Classification Scheme 2023. Collection method: clinical testing. Allele origin: germline.
Comment: The p.R274S variant (also known as c.820C>A), located in coding exon 6 of the G6PC3 gene, results from a C to A substitution at nucleotide position 820. The arginine at codon 274 is replaced by serine, an amino acid with dissimilar properties. This amino acid position is conserved. In addition, this alteration is predicted to be tolerated by in silico analysis. Based on the available evidence, the clinical significance of this variant remains unclear.

NM_138387.4(G6PC3):c.820C>A (p.Arg274Ser)

Gene: G6PC3 (glucose-6-phosphatase catalytic subunit 3; plus strand). Cytogenetic location: 17q21.31.
Variant type: single nucleotide variant.
Coding change: c.820C>A on transcript NM_138387.4 (MANE Select); coding-DNA position 820, C replaced by A.
Protein change: p.Arg274Ser; replaces arginine 274 with serine.
Molecular consequence: missense variant. On other transcripts: 3 prime UTR variant (1).
Genome position (GRCh38, 1-based): chr17:44,075,822, C>A. VCF-style: chr17-44075822-C-A. GRCh37 (hg19) VCF-style: chr17-42153190-C-A.
Other names: c.*113C>A (NM_001319945.2); c.475C>A, p.Arg159Ser (NM_001384165.1, NM_001384166.1, NM_001384167.1 and 1 more transcripts); short protein forms R159S, R274S.
Identifiers: ClinVar variation 4871584 (VCV004871584.1).